The following is an entry in ClinVar:

ClinVar aggregate classification (germline): Conflicting classifications of pathogenicity. Review status: criteria provided, conflicting classifications (1 of 4 stars). 2 submissions from 2 submitters: Uncertain significance (1); Likely benign (1). Last evaluated 2026-09-21.

Conditions:
Short-rib thoracic dysplasia 6 with or without polydactyly (SRTD6). Also called: Majewski Syndrome; POLYDACTYLY WITH NEONATAL CHONDRODYSTROPHY, TYPE II; SHORT-RIB THORACIC DYSPLASIA 6 WITH POLYDACTYLY; SHORT-RIB THORACIC DYSPLASIA 6 WITHOUT POLYDACTYLY; SHORT RIB-POLYDACTYLY SYNDROME, TYPE IIA. Identifiers: MedGen C0024507, MONDO:0009894, OMIM 263520.
Amyotrophic lateral sclerosis (ALS). Also called: Charcot disease; Lou Gehrig disease. Identifiers: Orphanet 803, MedGen C0002736, MONDO:0004976, HP:0007354.

Allele frequency attached by ClinVar (database versions not stated): ExAC 0.00001.
gnomAD v4.1: 1 of 1,610,010 alleles (0.000062%); highest among the groups gnomAD compares: Admixed American, 0.0017%; no homozygotes.

Submissions (2):

Department of Neurology, Brain Research Institute, Niigata University
Classification: Likely benign for Amyotrophic lateral sclerosis. Last evaluated: 2026-09-21. Review status: criteria provided, single submitter. Criteria: ACMG Guidelines, 2015. Collection method: research. Allele origin: unknown. Affected: yes.
Comment: REVEL score of this variant is 0.101 (BP4_Moderate)

Labcorp Genetics (formerly Invitae), Labcorp
Classification: Uncertain significance for Short-rib thoracic dysplasia 6 with or without polydactyly. Last evaluated: 2023-04-04. Review status: criteria provided, single submitter. Criteria: Invitae Variant Classification Sherloc (09022015). Collection method: clinical testing. Allele origin: germline.
Comment: In summary, the available evidence is currently insufficient to determine the role of this variant in disease. Therefore, it has been classified as a Variant of Uncertain Significance. This sequence change replaces alanine, which is neutral and non-polar, with valine, which is neutral and non-polar, at codon 802 of the NEK1 protein (p.Ala802Val). The frequency data for this variant in the population databases is considered unreliable, as metrics indicate poor data quality at this position in the gnomAD database. This variant has not been reported in the literature in individuals affected with NEK1-related conditions. Advanced modeling of protein sequence and biophysical properties (such as structural, functional, and spatial information, amino acid conservation, physicochemical variation, residue mobility, and thermodynamic stability) performed at Invitae indicates that this missense variant is not expected to disrupt NEK1 protein function.

NM_001199397.3(NEK1):c.2489C>T (p.Ala830Val)

Gene: NEK1 (NIMA related kinase 1; minus strand). Cytogenetic location: 4q33.
Variant type: single nucleotide variant.
Coding change: c.2489C>T on transcript NM_001199397.3 (MANE Select); coding-DNA position 2489, C replaced by T.
Protein change: p.Ala830Val; replaces alanine 830 with valine.
Molecular consequence: missense variant. On other transcripts: non-coding transcript variant (1).
Genome position (GRCh38, 1-based): chr4:169,463,341, G>A on the plus strand (C>T on the coding strand, the complement: NEK1 is on the minus strand). VCF-style: chr4-169463341-G-A. GRCh37 (hg19) VCF-style: chr4-170384492-G-A.
Other names: c.2357C>T, p.Ala786Val (NM_001199398.3); c.2198C>T, p.Ala733Val (NM_001199399.3); c.2273C>T, p.Ala758Val (NM_001199400.3); c.2489C>T, p.Ala830Val (NM_001374418.1); c.2405C>T, p.Ala802Val (NM_001374419.1, NM_012224.4); c.2354C>T, p.Ala785Val (NM_001374420.1); c.2183C>T, p.Ala728Val (NM_001374421.1); short protein forms A758V, A830V, A786V, A802V, A728V, A733V, A785V.
Identifiers: ClinVar variation 2878017 (VCV002878017.5), dbSNP rs778780844, ClinGen allele CA3137395.